The following is an entry in ClinVar:

NM_006361.6(HOXB13):c.762C>G (p.Ser254Arg)

Gene: HOXB13 (homeobox B13; minus strand). Cytogenetic location: 17q21.32.
Variant type: single nucleotide variant.
Coding change: c.762C>G on transcript NM_006361.6 (MANE Select); coding-DNA position 762, C replaced by G.
Protein change: p.Ser254Arg; replaces serine 254 with arginine.
Molecular consequence: missense variant.
Genome position (GRCh38, 1-based): chr17:48,726,883, G>C on the plus strand (C>G on the coding strand, the complement: HOXB13 is on the minus strand). VCF-style: chr17-48726883-G-C. GRCh37 (hg19) VCF-style: chr17-46804245-G-C.
Other names: c.762C>G (NM_006361.5); short protein forms S254R.
Identifiers: ClinVar variation 1404913 (VCV001404913.7), dbSNP rs1597932620, ClinGen allele CA400105963.
Genomic context (GRCh38, chr17:48,726,883, plus strand): 5'-AACCTTCTTCTCTTTGACCCGGCGGTTCTGAAACCAGATGGTAATCTGGCGCTCCGAGAG[G>C]CTGGTGGCTGCCGAGATCTTGCGCCTCTTGTCCTTGGTGATGAACTTGTTAGCCGCATAC-3'
Protein context (NP_006352.2, residues 244-264): DKRRKISAAT[Ser254Arg]LSERQITIWF

ClinVar aggregate classification (germline): Uncertain significance. Review status: criteria provided, multiple submitters, no conflicts (2 of 4 stars). 2 submissions from 2 submitters: Uncertain significance (2). Last evaluated 2024-01-11.

Conditions:
Hereditary cancer-predisposing syndrome. Also called: Hereditary neoplastic syndrome; Hereditary Cancer Syndrome; Neoplastic Syndromes, Hereditary; Tumor predisposition. Identifiers: Orphanet 140162, MedGen C0027672, MeSH D009386, MONDO:0015356.

Allele frequency attached by ClinVar (database versions not stated): gnomAD exomes below 0.00001.

Submissions (2):

Ambry Genetics
Classification: Uncertain significance for Hereditary cancer-predisposing syndrome. Last evaluated: 2024-01-11. Review status: criteria provided, single submitter. Criteria: Ambry Variant Classification Scheme 2023. Collection method: clinical testing. Allele origin: germline.
Comment: The p.S254R variant (also known as c.762C>G), located in coding exon 2 of the HOXB13 gene, results from a C to G substitution at nucleotide position 762. The serine at codon 254 is replaced by arginine, an amino acid with dissimilar properties. This amino acid position is conserved. In addition, the in silico prediction for this alteration is inconclusive. Since supporting evidence is limited at this time, the clinical significance of this alteration remains unclear.

Labcorp Genetics (formerly Invitae), Labcorp
Classification: Uncertain significance. Last evaluated: 2023-09-12. Review status: criteria provided, single submitter. Criteria: Invitae Variant Classification Sherloc (09022015). Collection method: clinical testing. Allele origin: germline.
Comment: ClinVar contains an entry for this variant (Variation ID: 1404913). This variant has not been reported in the literature in individuals affected with HOXB13-related conditions. This variant is not present in population databases (gnomAD no frequency). This sequence change replaces serine, which is neutral and polar, with arginine, which is basic and polar, at codon 254 of the HOXB13 protein (p.Ser254Arg). In summary, the available evidence is currently insufficient to determine the role of this variant in disease. Therefore, it has been classified as a Variant of Uncertain Significance. Advanced modeling of protein sequence and biophysical properties (such as structural, functional, and spatial information, amino acid conservation, physicochemical variation, residue mobility, and thermodynamic stability) performed at Invitae indicates that this missense variant is not expected to disrupt HOXB13 protein function.